The following is an entry in ClinVar:

ClinVar aggregate classification (germline): Uncertain significance. Review status: criteria provided, multiple submitters, no conflicts (2 of 4 stars). 2 submissions from 2 submitters: Uncertain significance (2). Last evaluated 2025-04-27.

Conditions:
Inborn genetic diseases. Identifiers: MedGen C0950123, MeSH D030342.

Allele frequency attached by ClinVar (database versions not stated): 1000 Genomes Project 30x 0.00047; ESP Exome Variant Server 0.00015; gnomAD 0.00015; TOPMed 0.00020; ExAC 0.00041; 1000 Genomes Project 0.00060.
gnomAD v4.1: 361 of 1,603,650 alleles (0.023%); highest among the groups gnomAD compares: Non-Finnish European, 0.027%; no homozygotes.

Submissions (2):

Ambry Genetics
Classification: Uncertain significance for Inborn genetic diseases. Last evaluated: 2025-04-27. Review status: criteria provided, single submitter. Criteria: Ambry Variant Classification Scheme 2023. Collection method: clinical testing. Allele origin: germline.

Labcorp Genetics (formerly Invitae), Labcorp
Classification: Uncertain significance. Last evaluated: 2022-03-20. Review status: criteria provided, single submitter. Criteria: Invitae Variant Classification Sherloc (09022015). Collection method: clinical testing. Allele origin: germline.
Comment: This sequence change replaces methionine, which is neutral and non-polar, with isoleucine, which is neutral and non-polar, at codon 2617 of the LAMA5 protein (p.Met2617Ile). This variant is present in population databases (rs367809230, gnomAD 0.04%). This variant has not been reported in the literature in individuals affected with LAMA5-related conditions. Algorithms developed to predict the effect of missense changes on protein structure and function (SIFT, PolyPhen-2, Align-GVGD) all suggest that this variant is likely to be tolerated. In summary, the available evidence is currently insufficient to determine the role of this variant in disease. Therefore, it has been classified as a Variant of Uncertain Significance.

NM_005560.6(LAMA5):c.7851G>A (p.Met2617Ile)

Gene: LAMA5 (laminin subunit alpha 5; minus strand). Cytogenetic location: 20q13.33.
Variant type: single nucleotide variant.
Coding change: c.7851G>A on transcript NM_005560.6 (MANE Select); coding-DNA position 7851, G replaced by A.
Protein change: p.Met2617Ile; replaces methionine 2617 with isoleucine.
Molecular consequence: missense variant.
Genome position (GRCh38, 1-based): chr20:62,315,964, C>T on the plus strand (G>A on the coding strand, the complement: LAMA5 is on the minus strand). VCF-style: chr20-62315964-C-T. GRCh37 (hg19) VCF-style: chr20-60891020-C-T.
Other names: c.7851G>A (NM_005560.3); short protein forms M2617I.
Identifiers: ClinVar variation 2068973 (VCV002068973.2), dbSNP rs367809230, ClinGen allele CA9941010.
Genomic context (GRCh38, chr20:62,315,964, plus strand): 5'-TCATGGTCGGCCGGCTGCGAGAGCCGGGCCCAGGCTCCGCATACCTGTGTCCATGGCAAG[C>T]ATGGCCTGCGCCGCCTGGATGTGCGCCTCCAGCTGGTCCTTCTTGGCCCGGACATCTCGG-3'
Protein context (NP_005551.3, residues 2607-2627): LEAHIQAAQA[Met2617Ile]LAMDTDETSK